The following is an entry in ClinVar:

NM_001142800.2(EYS):c.3165-1G>A

Gene: EYS (EGF-like photoreceptor maintenance factor; minus strand). Cytogenetic location: 6q12.
Variant type: single nucleotide variant.
Coding change: c.3165-1G>A on transcript NM_001142800.2 (MANE Select); the canonical splice acceptor site of the intron before coding-DNA position 3165, G replaced by A.
Molecular consequence: splice acceptor variant.
Genome position (GRCh38, 1-based): chr6:64,821,724, C>T on the plus strand (G>A on the coding strand, the complement: EYS is on the minus strand). VCF-style: chr6-64821724-C-T. GRCh37 (hg19) VCF-style: chr6-65531617-C-T.
Other names: c.3165-1G>A (NM_001292009.2).
Identifiers: ClinVar variation 936845 (VCV000936845.13), dbSNP rs1349089552, ClinGen allele CA364787313.
Genomic context (GRCh38, chr6:64,821,724, plus strand): 5'-TGTGTGCTAGTCCCATCTGCATCACATGAACATGGATATTCATTAATAAGTTCTGTGCAC[C>T]TGAAACACAGAATTAGAATTACATTTTCAAATAAGTAGATGTTAAAGCATAACTTCAAGG-3'

ClinVar aggregate classification (germline): Likely pathogenic. Review status: criteria provided, multiple submitters, no conflicts (2 of 4 stars). 3 submissions from 3 submitters: Likely pathogenic (3). Last evaluated 2026-03-10.

Conditions:
Retinitis pigmentosa 25 (RP25). Identifiers: Orphanet 791, MedGen C1864446, MONDO:0011272, OMIM 602772.

Allele frequency attached by ClinVar (database versions not stated): gnomAD exomes below 0.00001 and 0.00001.
gnomAD v4.1: 4 of 1,483,502 alleles (0.00027%); highest among the groups gnomAD compares: Admixed American, 0.004%; no homozygotes.

Submissions (3):

Myriad Genetics, Inc.
Classification: Likely pathogenic for Retinitis pigmentosa 25. Last evaluated: 2026-03-10. Review status: criteria provided, single submitter. Criteria: Myriad Autosomal Dominant, Autosomal Recessive and X-Linked Classification Criteria (2023). Collection method: clinical testing. Allele origin: unknown.
Comment: NM_001142800.1(EYS):c.3165-1G>A is a variant in a canonical splice site classified as likely pathogenic in the context of retinitis pigmentosa, EYS-related. c.3165-1G>A has not been observed in cases with relevant disease. Relevant functional assessments of this variant are not available in the literature. c.3165-1G>A has been observed in referenced population frequency databases. In summary, NM_001142800.1(EYS):c.3165-1G>A is a variant in a canonical splice site in a gene where loss of function is a known mechanism of disease and is predicted to disrupt protein function. Please note: this variant was assessed in the context of healthy population screening.

Natera, Inc.
Classification: Likely pathogenic for Retinitis pigmentosa type 25. Last evaluated: 2025-10-21. Review status: criteria provided, single submitter. Criteria: Natera Variant Classification Schema (03/2026). Collection method: clinical testing. Allele origin: germline.
Comment: The c.3165-1G>A variant in EYS is a canonical splice acceptor site variant predicted to affect pre-mRNA splicing, which may result in an abnormal transcript and altered protein product. This variant is expected to result in nonsense mediated decay, truncation, or a dysfunctional protein product. This variant is rare in the general population with a frequency below the threshold expected for the associated phenotype(s). Given the available evidence, this variant is classified as Likely Pathogenic.

Labcorp Genetics (formerly Invitae), Labcorp
Classification: Likely pathogenic. Last evaluated: 2023-11-19. Review status: criteria provided, single submitter. Criteria: Invitae Variant Classification Sherloc (09022015). Collection method: clinical testing. Allele origin: germline.
Comment: This sequence change affects an acceptor splice site in intron 20 of the EYS gene. It is expected to disrupt RNA splicing. Variants that disrupt the donor or acceptor splice site typically lead to a loss of protein function (PMID: 16199547), and loss-of-function variants in EYS are known to be pathogenic (PMID: 18836446, 20333770). This variant is present in population databases (no rsID available, gnomAD 0.006%). Disruption of this splice site has been observed in individual(s) with inherited retinal dystrophy (Invitae). ClinVar contains an entry for this variant (Variation ID: 936845). Algorithms developed to predict the effect of sequence changes on RNA splicing suggest that this variant may disrupt the consensus splice site. In summary, the currently available evidence indicates that the variant is pathogenic, but additional data are needed to prove that conclusively. Therefore, this variant has been classified as Likely Pathogenic.

Literature cited by the submitters: PubMed 16199547 (cited by Labcorp Genetics (formerly Invitae), Labcorp); PubMed 18836446 (cited by Labcorp Genetics (formerly Invitae), Labcorp); PubMed 20333770 (cited by Labcorp Genetics (formerly Invitae), Labcorp).